The following is an entry in ClinVar:

NM_005876.5(SPEG):c.259_260delinsAA (p.Ala87Asn)

Gene: SPEG (striated muscle enriched protein kinase; plus strand). Cytogenetic location: 2q35.
Variant type: Indel.
Coding change: c.259_260delinsAA on transcript NM_005876.5 (MANE Select); coding-DNA positions 259 to 260, GC replaced by AA.
Protein change: p.Ala87Asn; replaces alanine 87 with asparagine.
Molecular consequence: missense variant.
Genome position (GRCh38, 1-based): chr2:219,435,236-219,435,237, GC replaced by AA. VCF-style: chr2-219435236-GC-AA. GRCh37 (hg19) VCF-style: chr2-220299958-GC-AA.
Other names: c.259_260delinsAA, p.Ala87Asn (NM_001438924.1, NM_001438925.1); short protein forms A87N.
Identifiers: ClinVar variation 4721162 (VCV004721162.1).

ClinVar aggregate classification (germline): Uncertain significance (1 of 4 stars; one submission).

Submission:

Labcorp Genetics (formerly Invitae), Labcorp
Classification: Uncertain significance. Last evaluated: 2026-01-13. Review status: criteria provided, single submitter. Criteria: Invitae Variant Classification Sherloc (09022015). Collection method: clinical testing. Allele origin: germline.
Comment: This sequence change replaces alanine, which is neutral and non-polar, with asparagine, which is neutral and polar, at codon 87 of the SPEG protein (p.Ala87Asn). Information on the frequency of this variant in the gnomAD database is not available, as this variant may be reported differently in the database. This variant has not been reported in the literature in individuals affected with SPEG-related conditions. An algorithm developed to predict the effect of missense changes on protein structure and function (PolyPhen-2) suggests that this variant is likely to be tolerated. In summary, the available evidence is currently insufficient to determine the role of this variant in disease. Therefore, it has been classified as a Variant of Uncertain Significance.